The following is an entry in ClinVar:

ClinVar aggregate classification (germline): Uncertain significance (1 of 4 stars; one submission).

Allele frequency attached by ClinVar (database versions not stated): gnomAD exomes 0.00001.
gnomAD v4.1: 18 of 1,614,218 alleles (0.0011%); highest among the groups gnomAD compares: Non-Finnish European, 0.0015%; no homozygotes.

Submission:

Labcorp Genetics (formerly Invitae), Labcorp
Classification: Uncertain significance. Last evaluated: 2022-12-18. Review status: criteria provided, single submitter. Criteria: Invitae Variant Classification Sherloc (09022015). Collection method: clinical testing. Allele origin: germline.
Comment: This sequence change replaces tryptophan, which is neutral and slightly polar, with cysteine, which is neutral and slightly polar, at codon 112 of the CXCR2 protein (p.Trp112Cys). This variant is not present in population databases (gnomAD no frequency). This variant has not been reported in the literature in individuals affected with CXCR2-related conditions. Algorithms developed to predict the effect of missense changes on protein structure and function (SIFT, PolyPhen-2, Align-GVGD) all suggest that this variant is likely to be disruptive. In summary, the available evidence is currently insufficient to determine the role of this variant in disease. Therefore, it has been classified as a Variant of Uncertain Significance.

NM_001557.4(CXCR2):c.336G>T (p.Trp112Cys)

Gene: CXCR2 (C-X-C motif chemokine receptor 2; plus strand). Cytogenetic location: 2q35.
Variant type: single nucleotide variant.
Coding change: c.336G>T on transcript NM_001557.4 (MANE Select); coding-DNA position 336, G replaced by T.
Protein change: p.Trp112Cys; replaces tryptophan 112 with cysteine.
Molecular consequence: missense variant.
Genome position (GRCh38, 1-based): chr2:218,135,137, G>T. VCF-style: chr2-218135137-G-T. GRCh37 (hg19) VCF-style: chr2-218999860-G-T.
Other names: c.336G>T, p.Trp112Cys (NM_001168298.2); short protein forms W112C.
Identifiers: ClinVar variation 3004621 (VCV003004621.3), dbSNP rs2469114159, ClinGen allele CA350529541.
Genomic context (GRCh38, chr2:218,135,137, plus strand): 5'-GGCCGACCTACTCTTTGCCCTGACCTTGCCCATCTGGGCCGCCTCCAAGGTGAATGGCTG[G>T]ATTTTTGGCACATTCCTGTGCAAGGTGGTCTCACTCCTGAAGGAAGTCAACTTCTATAGT-3'
Protein context (NP_001548.1, residues 102-122): PIWAASKVNG[Trp112Cys]IFGTFLCKVV